The following is an entry in ClinVar:

ClinVar aggregate classification (germline): Uncertain significance (1 of 4 stars; one submission).

Submission:

GeneDx
Classification: Uncertain significance. Last evaluated: 2024-03-01. Review status: criteria provided, single submitter. Criteria: GeneDx Variant Classification Process June 2021. Collection method: clinical testing. Allele origin: germline. Affected: yes.
Comment: Not observed at significant frequency in large population cohorts (gnomAD); In silico analysis supports that this missense variant does not alter protein structure/function; Has not been previously published as pathogenic or benign to our knowledge

NM_004415.4(DSP):c.5726T>G (p.Ile1909Ser)

Gene: DSP (desmoplakin; plus strand). Cytogenetic location: 6p24.3.
Variant type: single nucleotide variant.
Coding change: c.5726T>G on transcript NM_004415.4 (MANE Select); coding-DNA position 5726, T replaced by G.
Protein change: p.Ile1909Ser; replaces isoleucine 1909 with serine.
Molecular consequence: missense variant.
Genome position (GRCh38, 1-based): chr6:7,582,988, T>G. VCF-style: chr6-7582988-T-G. GRCh37 (hg19) VCF-style: chr6-7583221-T-G.
Other names: c.3929T>G, p.Ile1310Ser (NM_001008844.3); c.4397T>G, p.Ile1466Ser (NM_001319034.2); short protein forms I1310S, I1466S, I1909S.
Identifiers: ClinVar variation 3373307 (VCV003373307.1).